The following is an entry in ClinVar:

ClinVar aggregate classification (germline): Uncertain significance (1 of 4 stars; one submission).

Conditions:
Nephrolithiasis/nephrocalcinosis. Identifiers: MedGen CN580796.

Allele frequency attached by ClinVar (database versions not stated): gnomAD exomes below 0.00001; TOPMed below 0.00001.

Submission:

Ambry Genetics
Classification: Uncertain significance for Nephrolithiasis/nephrocalcinosis. Last evaluated: 2021-09-20. Review status: criteria provided, single submitter. Criteria: Ambry Variant Classification Scheme 2023. Collection method: clinical testing. Allele origin: germline.
Comment: The p.T412A variant (also known as c.1234A>G), located in coding exon 3 of the CASR gene, results from an A to G substitution at nucleotide position 1234. The threonine at codon 412 is replaced by alanine, an amino acid with similar properties. This amino acid position is conserved. In addition, the in silico prediction for this alteration is inconclusive. Since supporting evidence is limited at this time, the clinical significance of this alteration remains unclear.

NM_000388.4(CASR):c.1234A>G (p.Thr412Ala)

Gene: CASR (calcium sensing receptor; plus strand). Cytogenetic location: 3q21.1.
Variant type: single nucleotide variant.
Coding change: c.1234A>G on transcript NM_000388.4 (MANE Select); coding-DNA position 1234, A replaced by G.
Protein change: p.Thr412Ala; replaces threonine 412 with alanine.
Molecular consequence: missense variant.
Genome position (GRCh38, 1-based): chr3:122,262,269, A>G. VCF-style: chr3-122262269-A-G. GRCh37 (hg19) VCF-style: chr3-121981116-A-G.
Other names: c.1234A>G, p.Thr412Ala (NM_001178065.2); short protein forms T412A.
Identifiers: ClinVar variation 1756381 (VCV001756381.2), dbSNP rs2074636855, ClinGen allele CA354152883.